The following is an entry in ClinVar:

ClinVar aggregate classification (germline): Uncertain significance. Review status: criteria provided, single submitter (1 of 4 stars). 2 submissions from 2 submitters: Uncertain significance (1). 1 of the submissions does not count toward it. Last evaluated 2022-06-05.

Conditions:
Short-rib thoracic dysplasia 10 with or without polydactyly (SRTD10). Identifiers: Orphanet 474, MedGen C3810175, MONDO:0014284, OMIM 615630.
Retinitis pigmentosa 71 (RP71). Identifiers: Orphanet 791, MedGen C4225342, MONDO:0014618, OMIM 616394.
IFT172-related disorder. Also called: IFT172-related condition; IFT172-related disorders.

Submissions (2):

Labcorp Genetics (formerly Invitae), Labcorp
Classification: Uncertain significance for Retinitis pigmentosa 71; Short-rib thoracic dysplasia 10 with or without polydactyly. Last evaluated: 2022-06-05. Review status: criteria provided, single submitter. Criteria: Invitae Variant Classification Sherloc (09022015). Collection method: clinical testing. Allele origin: germline.
Comment: In summary, the available evidence is currently insufficient to determine the role of this variant in disease. Therefore, it has been classified as a Variant of Uncertain Significance. Algorithms developed to predict the effect of missense changes on protein structure and function (SIFT, PolyPhen-2, Align-GVGD) all suggest that this variant is likely to be tolerated. ClinVar contains an entry for this variant (Variation ID: 1512056). This variant has not been reported in the literature in individuals affected with IFT172-related conditions. This variant is not present in population databases (gnomAD no frequency). This sequence change replaces threonine, which is neutral and polar, with serine, which is neutral and polar, at codon 1679 of the IFT172 protein (p.Thr1679Ser).

PreventionGenetics, part of Exact Sciences
Classification: Uncertain significance for IFT172-related condition. Last evaluated: 2024-02-28. Review status: no assertion criteria provided. Collection method: clinical testing. Allele origin: germline. Not counted in ClinVar's aggregate classification.
Comment: The IFT172 c.5036C>G variant is predicted to result in the amino acid substitution p.Thr1679Ser. To our knowledge, this variant has not been reported in the literature or in a large population database, indicating this variant is rare. At this time, the clinical significance of this variant is uncertain due to the absence of conclusive functional and genetic evidence.

NM_015662.3(IFT172):c.5036C>G (p.Thr1679Ser)

Genes: IFT172 (intraflagellar transport 172; minus strand), KRTCAP3 (keratinocyte associated protein 3; plus strand). Cytogenetic location: 2p23.3.
Variant type: single nucleotide variant.
Coding change: c.5036C>G on transcript NM_015662.3 (MANE Select); coding-DNA position 5036, C replaced by G.
Protein change: p.Thr1679Ser; replaces threonine 1679 with serine.
Molecular consequence: missense variant. On other transcripts: intron variant (1).
Genome position (GRCh38, 1-based): chr2:27,445,328, G>C on the plus strand (C>G on the coding strand, the complement: IFT172 is on the minus strand). VCF-style: chr2-27445328-G-C. GRCh37 (hg19) VCF-style: chr2-27668195-G-C.
Other names: c.4970C>G, p.Thr1657Ser (NM_001410739.1); c.*6-973G>C (NM_001168364.2); short protein forms T1679S, T1657S.
Identifiers: ClinVar variation 1512056 (VCV001512056.6), dbSNP rs2148465499, ClinGen allele CA346413494.